The following is an entry in ClinVar:

NM_004333.6(BRAF):c.359T>G (p.Val120Gly)

Gene: BRAF (B-Raf proto-oncogene, serine/threonine kinase; minus strand). Cytogenetic location: 7q34.
Variant type: single nucleotide variant.
Coding change: c.359T>G on transcript NM_004333.6 (MANE Select); coding-DNA position 359, T replaced by G.
Protein change: p.Val120Gly; replaces valine 120 with glycine.
Molecular consequence: missense variant. On other transcripts: intron variant (1).
Genome position (GRCh38, 1-based): chr7:140,834,754, A>C on the plus strand (T>G on the coding strand, the complement: BRAF is on the minus strand). VCF-style: chr7-140834754-A-C. GRCh37 (hg19) VCF-style: chr7-140534554-A-C.
Other names: c.359T>G, p.Val120Gly (NM_001354609.2, NM_001374244.1, NM_001374258.1 and 5 more transcripts); c.257T>G, p.Val86Gly (NM_001378470.1); c.203T>G, p.Val68Gly (NM_001378472.1, NM_001378473.1); c.240+15357T>G (NM_001378475.1); short protein forms V86G, V120G, V68G.
Identifiers: ClinVar variation 3636771 (VCV003636771.2).

ClinVar aggregate classification (germline): Uncertain significance (1 of 4 stars; one submission).

Conditions:
RASopathy. Also called: Noonan spectrum disorder; rasopathies. Identifiers: Orphanet 536391, MedGen C5555857, MONDO:0021060.

Submission:

Labcorp Genetics (formerly Invitae), Labcorp
Classification: Uncertain significance for RASopathy. Last evaluated: 2024-12-10. Review status: criteria provided, single submitter. Criteria: Invitae Variant Classification Sherloc (09022015). Collection method: clinical testing. Allele origin: germline.
Comment: This sequence change replaces valine, which is neutral and non-polar, with glycine, which is neutral and non-polar, at codon 120 of the BRAF protein (p.Val120Gly). This variant is not present in population databases (gnomAD no frequency). This variant has not been reported in the literature in individuals affected with BRAF-related conditions. Invitae Evidence Modeling of protein sequence and biophysical properties (such as structural, functional, and spatial information, amino acid conservation, physicochemical variation, residue mobility, and thermodynamic stability) has been performed for this missense variant. However, the output from this modeling did not meet the statistical confidence thresholds required to predict the impact of this variant on BRAF protein function. Algorithms developed to predict the effect of sequence changes on RNA splicing suggest that this variant may create or strengthen a splice site. In summary, the available evidence is currently insufficient to determine the role of this variant in disease. Therefore, it has been classified as a Variant of Uncertain Significance.